The following is an entry in ClinVar:

ClinVar aggregate classification (germline): Conflicting classifications of pathogenicity. Review status: criteria provided, conflicting classifications (1 of 4 stars). 5 submissions from 5 submitters: Uncertain significance (1); Likely benign (4). Last evaluated 2026-01-05.

Conditions:
Hereditary cancer-predisposing syndrome. Also called: Tumor predisposition; Neoplastic Syndromes, Hereditary; Hereditary Cancer Syndrome; Hereditary neoplastic syndrome. Identifiers: Orphanet 140162, MedGen C0027672, MeSH D009386, MONDO:0015356.
Familial cancer of breast. Also called: BREAST CANCER, FAMILIAL; hereditary breast carcinoma; Hereditary breast cancer. Identifiers: Orphanet 227535, MedGen C0346153, MONDO:0016419, OMIM 114480. Disease mechanism: loss of function.
Ataxia-telangiectasia syndrome (AT). Also called: Ataxia-telangiectasia; Ataxia-telangiectasia, complementation group D; AT, COMPLEMENTATION GROUP C; LOUIS-BAR SYNDROME; Cerebello-oculocutaneous telangiectasia; Immunodeficiency with ataxia telangiectasia. Identifiers: Orphanet 100, MedGen C0004135, MONDO:0008840, OMIM 208900.

Allele frequency attached by ClinVar (database versions not stated): gnomAD exomes below 0.00001.
gnomAD v4.1: 2 of 1,611,944 alleles (0.00012%); highest among the groups gnomAD compares: South Asian, 0.0011%; no homozygotes.

Submissions (5):

Labcorp Genetics (formerly Invitae), Labcorp
Classification: Likely benign for Ataxia-telangiectasia syndrome. Last evaluated: 2026-01-05. Review status: criteria provided, single submitter. Criteria: Invitae Variant Classification Sherloc (09022015). Collection method: clinical testing. Allele origin: germline.

Myriad Genetics, Inc.
Classification: Likely benign for Familial cancer of breast. Last evaluated: 2024-05-10. Review status: criteria provided, single submitter. Criteria: Myriad Autosomal Dominant, Autosomal Recessive and X-Linked Classification Criteria (2023). Collection method: clinical testing. Allele origin: unknown.
Comment: This variant is considered likely benign. This variant is intronic and is not expected to impact mRNA splicing.

GeneDx
Classification: Likely benign. Last evaluated: 2017-09-26. Review status: criteria provided, single submitter. Criteria: GeneDx Variant Classification (06012015). Collection method: clinical testing. Allele origin: germline. Affected: yes.
Comment: This variant is considered likely benign or benign based on one or more of the following criteria: it is a conservative change, it occurs at a poorly conserved position in the protein, it is predicted to be benign by multiple in silico algorithms, and/or has population frequency not consistent with disease.

Color Diagnostics, LLC DBA Color Health
Classification: Likely benign for Hereditary cancer-predisposing syndrome. Last evaluated: 2017-06-03. Review status: criteria provided, single submitter. Criteria: ACMG Guidelines, 2015. Collection method: clinical testing. Allele origin: germline.

Ambry Genetics
Classification: Uncertain significance for Hereditary cancer-predisposing syndrome. Last evaluated: 2015-04-02. Review status: criteria provided, single submitter. Criteria: Ambry Variant Classification Scheme 2023. Collection method: clinical testing. Allele origin: germline.
Comment: The c.2839-7A>G intronic alteration consists of a A to G substitution 7 nucleotides before coding exon 18 in the ATM gene. Based on insufficient or conflicting evidence, the clinical significance of this alteration remains unclear.

NM_000051.4(ATM):c.2839-7A>G

Gene: ATM (ATM serine/threonine kinase; plus strand). Cytogenetic location: 11q22.3.
Variant type: single nucleotide variant.
Coding change: c.2839-7A>G on transcript NM_000051.4 (MANE Select); 7 bases into the intron before coding-DNA position 2839, A replaced by G.
Molecular consequence: intron variant.
Genome position (GRCh38, 1-based): chr11:108,271,057, A>G. VCF-style: chr11-108271057-A-G. GRCh37 (hg19) VCF-style: chr11-108141784-A-G.
Other names: c.2839-7A>G (NM_001351834.2).
Identifiers: ClinVar variation 490496 (VCV000490496.14), dbSNP rs1445472389, ClinGen allele CA602132590.